The following is an entry in ClinVar:

ClinVar aggregate classification (germline): Uncertain significance (1 of 4 stars; one submission).

Conditions:
DICER1-related tumor predisposition. Also called: DICER1 syndrome; DICER1-related pleuropulmonary blastoma cancer predisposition syndrome. Identifiers: Orphanet 284343, MedGen C3839822, MONDO:0100216.

Allele frequency attached by ClinVar (database versions not stated): gnomAD exomes below 0.00001.
gnomAD v4.1: 1 of 1,614,202 alleles (0.000062%); highest among the groups gnomAD compares: Non-Finnish European, 0.000085%; no homozygotes.

Submission:

Labcorp Genetics (formerly Invitae), Labcorp
Classification: Uncertain significance for DICER1-related tumor predisposition. Last evaluated: 2021-06-01. Review status: criteria provided, single submitter. Criteria: Invitae Variant Classification Sherloc (09022015). Collection method: clinical testing. Allele origin: germline.
Comment: This sequence change replaces threonine with serine at codon 1267 of the DICER1 protein (p.Thr1267Ser). The threonine residue is weakly conserved and there is a small physicochemical difference between threonine and serine. This variant is not present in population databases (ExAC no frequency). This variant has not been reported in the literature in individuals with DICER1-related conditions. Algorithms developed to predict the effect of missense changes on protein structure and function (SIFT, PolyPhen-2, Align-GVGD) all suggest that this variant is likely to be tolerated, but these predictions have not been confirmed by published functional studies and their clinical significance is uncertain. In summary, the available evidence is currently insufficient to determine the role of this variant in disease. Therefore, it has been classified as a Variant of Uncertain Significance.

NM_177438.3(DICER1):c.3800C>G (p.Thr1267Ser)

Gene: DICER1 (dicer 1, ribonuclease III; minus strand). Cytogenetic location: 14q32.13.
Variant type: single nucleotide variant.
Coding change: c.3800C>G on transcript NM_177438.3 (MANE Select); coding-DNA position 3800, C replaced by G.
Protein change: p.Thr1267Ser; replaces threonine 1267 with serine.
Molecular consequence: missense variant.
Genome position (GRCh38, 1-based): chr14:95,103,596, G>C on the plus strand (C>G on the coding strand, the complement: DICER1 is on the minus strand). VCF-style: chr14-95103596-G-C. GRCh37 (hg19) VCF-style: chr14-95569933-G-C.
Other names: c.3800C>G, p.Thr1267Ser (NM_001195573.1, NM_001271282.3, NM_001291628.2 and 1 more transcripts); short protein forms T1267S.
Identifiers: ClinVar variation 1393688 (VCV001393688.9), dbSNP rs1891099996, ClinGen allele CA390873421.
Genomic context (GRCh38, chr14:95,103,596, plus strand): 5'-GAGGAGTACCCAATAGAAGGGCTCTGCTCAGAATCCATCCTGCCCTTGAGCACTTGAATA[G>C]TGTCTGTCGTACCAGGCATTACGGCCATCACAGGACTTCCATCTGAGGTAGATTTGTTAG-3'
Protein context (NP_803187.1, residues 1257-1277): VMAVMPGTTD[Thr1267Ser]IQVLKGRMDS